The following is an entry in ClinVar:

NM_001376.5(DYNC1H1):c.6343A>C (p.Lys2115Gln)

Gene: DYNC1H1 (dynein cytoplasmic 1 heavy chain 1; plus strand). Cytogenetic location: 14q32.31.
Variant type: single nucleotide variant.
Coding change: c.6343A>C on transcript NM_001376.5 (MANE Select); coding-DNA position 6343, A replaced by C.
Protein change: p.Lys2115Gln; replaces lysine 2115 with glutamine.
Molecular consequence: missense variant.
Genome position (GRCh38, 1-based): chr14:102,010,397, A>C. VCF-style: chr14-102010397-A-C. GRCh37 (hg19) VCF-style: chr14-102476734-A-C.
Other names: c.6343A>C (NM_001376.4); short protein forms K2115Q.
Identifiers: ClinVar variation 1399048 (VCV001399048.9), dbSNP rs2152577826, ClinGen allele CA391054744.

ClinVar aggregate classification (germline): Uncertain significance. Review status: criteria provided, multiple submitters, no conflicts (2 of 4 stars). 2 submissions from 2 submitters: Uncertain significance (2). Last evaluated 2025-06-27.

Conditions:
Inborn genetic diseases. Identifiers: MedGen C0950123, MeSH D030342.
Charcot-Marie-Tooth disease axonal type 2O. Also called: CHARCOT-MARIE-TOOTH NEUROPATHY, AXONAL, TYPE 2O; CHARCOT-MARIE-TOOTH DISEASE, AXONAL, AUTOSOMAL DOMINANT, TYPE 2O; Charcot-Marie-Tooth Neuropathy Type 2O; Charcot-Marie-Tooth disease, axonal, type 20. Identifiers: Orphanet 284232, MedGen C3280220, MONDO:0013644, OMIM 614228.

gnomAD v4.1: 1 of 1,614,168 alleles (0.000062%); highest among the groups gnomAD compares: Admixed American, 0.0017%; no homozygotes.

Submissions (2):

Labcorp Genetics (formerly Invitae), Labcorp
Classification: Uncertain significance for Charcot-Marie-Tooth disease axonal type 2O. Last evaluated: 2025-06-27. Review status: criteria provided, single submitter. Criteria: Invitae Variant Classification Sherloc (09022015). Collection method: clinical testing. Allele origin: germline.
Comment: This sequence change replaces lysine, which is basic and polar, with glutamine, which is neutral and polar, at codon 2115 of the DYNC1H1 protein (p.Lys2115Gln). This variant is not present in population databases (gnomAD no frequency). This variant has not been reported in the literature in individuals affected with DYNC1H1-related conditions. ClinVar contains an entry for this variant (Variation ID: 1399048). Invitae Evidence Modeling of protein sequence and biophysical properties (such as structural, functional, and spatial information, amino acid conservation, physicochemical variation, residue mobility, and thermodynamic stability) indicates that this missense variant is not expected to disrupt DYNC1H1 protein function with a negative predictive value of 95%. In summary, the available evidence is currently insufficient to determine the role of this variant in disease. Therefore, it has been classified as a Variant of Uncertain Significance.

Ambry Genetics
Classification: Uncertain significance for Inborn genetic diseases. Last evaluated: 2025-05-19. Review status: criteria provided, single submitter. Criteria: Ambry Variant Classification Scheme 2023. Collection method: clinical testing. Allele origin: germline.